The following is an entry in ClinVar:

ClinVar aggregate classification (germline): Uncertain significance (1 of 4 stars; one submission).

Submission:

Labcorp Genetics (formerly Invitae), Labcorp
Classification: Uncertain significance. Last evaluated: 2022-02-24. Review status: criteria provided, single submitter. Criteria: Invitae Variant Classification Sherloc (09022015). Collection method: clinical testing. Allele origin: germline.
Comment: This sequence change replaces glutamic acid, which is acidic and polar, with glutamine, which is neutral and polar, at codon 717 of the CNGB3 protein (p.Glu717Gln). In summary, the available evidence is currently insufficient to determine the role of this variant in disease. Therefore, it has been classified as a Variant of Uncertain Significance. Advanced modeling of protein sequence and biophysical properties (such as structural, functional, and spatial information, amino acid conservation, physicochemical variation, residue mobility, and thermodynamic stability) performed at Invitae indicates that this missense variant is not expected to disrupt CNGB3 protein function. ClinVar contains an entry for this variant (Variation ID: 955349). This variant has not been reported in the literature in individuals affected with CNGB3-related conditions. This variant is not present in population databases (gnomAD no frequency).

NM_019098.5(CNGB3):c.2149G>C (p.Glu717Gln)

Gene: CNGB3 (cyclic nucleotide gated channel subunit beta 3; minus strand). Cytogenetic location: 8q21.3.
Variant type: single nucleotide variant.
Coding change: c.2149G>C on transcript NM_019098.5 (MANE Select); coding-DNA position 2149, G replaced by C.
Protein change: p.Glu717Gln; replaces glutamic acid 717 with glutamine.
Molecular consequence: missense variant.
Genome position (GRCh38, 1-based): chr8:86,576,085, C>G on the plus strand (G>C on the coding strand, the complement: CNGB3 is on the minus strand). VCF-style: chr8-86576085-C-G. GRCh37 (hg19) VCF-style: chr8-87588313-C-G.
Other names: short protein forms E717Q.
Identifiers: ClinVar variation 955349 (VCV000955349.9), dbSNP rs1821656687, ClinGen allele CA371446572.